The following is an entry in ClinVar:

NM_001379286.1(ZNF423):c.3226C>A (p.Leu1076Met)

Gene: ZNF423 (zinc finger protein 423; minus strand). Cytogenetic location: 16q12.1.
Variant type: single nucleotide variant.
Coding change: c.3226C>A on transcript NM_001379286.1 (MANE Select); coding-DNA position 3226, C replaced by A.
Protein change: p.Leu1076Met; replaces leucine 1076 with methionine.
Molecular consequence: missense variant.
Genome position (GRCh38, 1-based): chr16:49,635,950, G>T on the plus strand (C>A on the coding strand, the complement: ZNF423 is on the minus strand). VCF-style: chr16-49635950-G-T. GRCh37 (hg19) VCF-style: chr16-49669861-G-T.
Other names: c.3022C>A, p.Leu1008Met (NM_001271620.2); c.2851C>A, p.Leu951Met (NM_001330533.2); c.3202C>A, p.Leu1068Met (NM_015069.5); short protein forms L1008M, L1068M, L951M, L1076M.
Identifiers: ClinVar variation 260533 (VCV000260533.39), dbSNP rs79706004, ClinGen allele CA8046361.

ClinVar aggregate classification (germline): Benign/Likely benign. Review status: criteria provided, multiple submitters, no conflicts (2 of 4 stars). 6 submissions from 6 submitters: Benign (5); Likely benign (1). Last evaluated 2026-01-21.

Conditions:
Nephronophthisis 14 (NPHP14). Identifiers: Orphanet 2318, MedGen C3539071, MONDO:0013916, OMIM 614844.

Allele frequency attached by ClinVar (database versions not stated): gnomAD 0.00376 and 0.00398; TOPMed 0.00397; ESP Exome Variant Server 0.00500; 1000 Genomes Project 30x 0.00578; 1000 Genomes Project 0.00579.
gnomAD v4.1: 1,057 of 1,595,168 alleles (0.066%); highest among the groups gnomAD compares: African/African-American, 1.3%; 12 homozygotes.

Submissions (6):

Labcorp Genetics (formerly Invitae), Labcorp
Classification: Benign for Nephronophthisis 14. Last evaluated: 2026-01-21. Review status: criteria provided, single submitter. Criteria: Invitae Variant Classification Sherloc (09022015). Collection method: clinical testing. Allele origin: germline.

Blueprint Genetics
Classification: Likely benign. Last evaluated: 2024-07-30. Review status: criteria provided, single submitter. Criteria: ACMG Guidelines, 2015. Collection method: clinical testing. Allele origin: germline.

CeGaT Center for Human Genetics Tuebingen
Classification: Benign. Last evaluated: 2023-10-01. Review status: criteria provided, single submitter. Criteria: CeGaT Center For Human Genetics Tuebingen Variant Classification Criteria Version 2. Collection method: clinical testing. Allele origin: germline. Affected: yes. Observed: 1 variant allele.
Comment: ZNF423: BS1, BS2

Genome-Nilou Lab
Classification: Benign for Nephronophthisis 14. Last evaluated: 2021-12-05. Review status: criteria provided, single submitter. Criteria: ACMG Guidelines, 2015. Collection method: clinical testing. Allele origin: germline. Affected: no.

Breakthrough Genomics
Classification: Benign. Review status: criteria provided, single submitter. Criteria: ACMG Guidelines, 2015. Collection method: not provided. Allele origin: germline. Inheritance: Autosomal dominant inheritance. Affected: yes.

PreventionGenetics, part of Exact Sciences
Classification: Benign. Review status: criteria provided, single submitter. Criteria: ACMG Guidelines, 2015. Collection method: clinical testing. Allele origin: germline.